The following is an entry in ClinVar:

ClinVar aggregate classification (germline): Uncertain significance (1 of 4 stars; one submission).

Conditions:
Hereditary nonpolyposis colorectal neoplasms. Identifiers: MedGen C0009405, MeSH D003123.

Submission:

Labcorp Genetics (formerly Invitae), Labcorp
Classification: Uncertain significance for Hereditary nonpolyposis colorectal neoplasms. Last evaluated: 2024-04-18. Review status: criteria provided, single submitter. Criteria: Invitae Variant Classification Sherloc (09022015). Collection method: clinical testing. Allele origin: germline.
Comment: This sequence change replaces methionine, which is neutral and non-polar, with lysine, which is basic and polar, at codon 1153 of the MSH6 protein (p.Met1153Lys). This variant is not present in population databases (gnomAD no frequency). This variant has not been reported in the literature in individuals affected with MSH6-related conditions. Advanced modeling of protein sequence and biophysical properties (such as structural, functional, and spatial information, amino acid conservation, physicochemical variation, residue mobility, and thermodynamic stability) has been performed at Invitae for this missense variant, however the output from this modeling did not meet the statistical confidence thresholds required to predict the impact of this variant on MSH6 protein function. In summary, the available evidence is currently insufficient to determine the role of this variant in disease. Therefore, it has been classified as a Variant of Uncertain Significance.

NM_000179.3(MSH6):c.3458T>A (p.Met1153Lys)

Gene: MSH6 (mutS homolog 6; plus strand). Cytogenetic location: 2p16.3.
Variant type: single nucleotide variant.
Coding change: c.3458T>A on transcript NM_000179.3 (MANE Select); coding-DNA position 3458, T replaced by A.
Protein change: p.Met1153Lys; replaces methionine 1153 with lysine.
Molecular consequence: missense variant. On other transcripts: non-coding transcript variant (4).
Genome position (GRCh38, 1-based): chr2:47,804,929, T>A. VCF-style: chr2-47804929-T-A. GRCh37 (hg19) VCF-style: chr2-48032068-T-A.
Other names: c.3458T>A, p.Met1153Lys (NM_001406796.1, NM_001406800.1, NM_001406808.1 and 1 more transcripts); c.3161T>A, p.Met1054Lys (NM_001406797.1, NM_001406801.1, NM_001406805.1 and 10 more transcripts); c.3284T>A, p.Met1095Lys (NM_001406798.1); c.2933T>A, p.Met978Lys (NM_001406799.1, NM_001406806.1, NM_001406807.1); c.3554T>A, p.Met1185Lys (NM_001406802.1, NM_001406795.1); c.2594T>A, p.Met865Lys (NM_001406803.1); c.3380T>A, p.Met1127Lys (NM_001406804.1); c.2552T>A, p.Met851Lys (NM_001406811.1, NM_001406812.1, NM_001406814.1 and 6 more transcripts); and 7 more; short protein forms M1023K, M1155K, M631K, M80K, M102K, M1127K, M1185K, M468K.
Identifiers: ClinVar variation 3633969 (VCV003633969.2).